The following is an entry in ClinVar:

ClinVar aggregate classification (germline): Uncertain significance (1 of 4 stars; one submission).

Conditions:
EGFR-related lung cancer (EGFR). Identifiers: MedGen CN130014.

Submission:

Labcorp Genetics (formerly Invitae), Labcorp
Classification: Uncertain significance for EGFR-related lung cancer. Last evaluated: 2020-10-25. Review status: criteria provided, single submitter. Criteria: Invitae Variant Classification Sherloc (09022015). Collection method: clinical testing. Allele origin: germline.
Comment: In summary, the available evidence is currently insufficient to determine the role of this variant in disease. Therefore, it has been classified as a Variant of Uncertain Significance. Algorithms developed to predict the effect of sequence changes on RNA splicing suggest that this variant may create or strengthen a splice site, but this prediction has not been confirmed by published transcriptional studies. Algorithms developed to predict the effect of missense changes on protein structure and function (SIFT, PolyPhen-2, Align-GVGD) all suggest that this variant is likely to be tolerated, but these predictions have not been confirmed by published functional studies and their clinical significance is uncertain. This variant has not been reported in the literature in individuals with EGFR-related conditions. This variant is not present in population databases (ExAC no frequency). This sequence change replaces arginine with serine at codon 414 of the EGFR protein (p.Arg414Ser). The arginine residue is weakly conserved and there is a moderate physicochemical difference between arginine and serine.

NM_005228.5(EGFR):c.1242G>T (p.Arg414Ser)

Gene: EGFR (epidermal growth factor receptor; plus strand). Cytogenetic location: 7p11.2.
Variant type: single nucleotide variant.
Coding change: c.1242G>T on transcript NM_005228.5 (MANE Select); coding-DNA position 1242, G replaced by T.
Protein change: p.Arg414Ser; replaces arginine 414 with serine.
Molecular consequence: missense variant.
Genome position (GRCh38, 1-based): chr7:55,157,697, G>T. VCF-style: chr7-55157697-G-T. GRCh37 (hg19) VCF-style: chr7-55225390-G-T.
Other names: c.1242G>T, p.Arg414Ser (NM_001346898.2, NM_201282.2, NM_201284.2); c.1107G>T, p.Arg369Ser (NM_001346899.2, NM_001346897.2); c.1083G>T, p.Arg361Ser (NM_001346900.2); c.441G>T, p.Arg147Ser (NM_001346941.2); short protein forms R361S, R147S, R369S, R414S.
Identifiers: ClinVar variation 1045657 (VCV001045657.8), dbSNP rs1785498288, ClinGen allele CA367579165.